The following is an entry in ClinVar:

ClinVar aggregate classification (germline): Uncertain significance (1 of 4 stars; one submission).

Conditions:
Brugada syndrome. Also called: Sudden unexpected nocturnal death syndrome; Sudden Unexplained Death Syndrome; Sudden Unexplained Nocturnal Death Syndrome (SUNDS); Sudden unexplained nocturnal death syndrome. Identifiers: Orphanet 130, MedGen C1142166, MONDO:0015263.

Submission:

Labcorp Genetics (formerly Invitae), Labcorp
Classification: Uncertain significance for Brugada syndrome. Last evaluated: 2024-05-04. Review status: criteria provided, single submitter. Criteria: Invitae Variant Classification Sherloc (09022015). Collection method: clinical testing. Allele origin: germline.
Comment: This sequence change replaces glutamine, which is neutral and polar, with lysine, which is basic and polar, at codon 41 of the SLMAP protein (p.Gln41Lys). Information on the frequency of this variant in the gnomAD database is not available, as this variant may be reported differently in the database. This variant has not been reported in the literature in individuals affected with SLMAP-related conditions. Experimental studies and prediction algorithms are not available or were not evaluated, and the functional significance of this variant is currently unknown. In summary, the available evidence is currently insufficient to determine the role of this variant in disease. Therefore, it has been classified as a Variant of Uncertain Significance.

NM_001377540.1(SLMAP):c.120_121delinsAA (p.Gln41Lys)

Gene: SLMAP (sarcolemma associated protein; plus strand). Cytogenetic location: 3p14.3.
Variant type: Indel.
Coding change: c.120_121delinsAA on transcript NM_001377540.1 (MANE Select); coding-DNA positions 120 to 121, GC replaced by AA.
Protein change: p.Gln41Lys; replaces glutamine 41 with lysine.
Molecular consequence: missense variant. On other transcripts: non-coding transcript variant (1).
Genome position (GRCh38, 1-based): chr3:57,757,771-57,757,772, GC replaced by AA. VCF-style: chr3-57757771-GC-AA. GRCh37 (hg19) VCF-style: chr3-57743498-GC-AA.
Other names: c.120_121delinsAA, p.Gln41Lys (NM_001304420.3, NM_001304421.2, NM_001377538.1 and 17 more transcripts); short protein forms Q41K.
Identifiers: ClinVar variation 3652119 (VCV003652119.2).